The following is an entry in ClinVar:

NM_001621.5(AHR):c.547T>C (p.Cys183Arg)

Gene: AHR (aryl hydrocarbon receptor; plus strand). Cytogenetic location: 7p21.1.
Variant type: single nucleotide variant.
Coding change: c.547T>C on transcript NM_001621.5 (MANE Select); coding-DNA position 547, T replaced by C.
Protein change: p.Cys183Arg; replaces cysteine 183 with arginine.
Molecular consequence: missense variant.
Genome position (GRCh38, 1-based): chr7:17,330,048, T>C. VCF-style: chr7-17330048-T-C. GRCh37 (hg19) VCF-style: chr7-17369672-T-C.
Other names: short protein forms C183R.
Identifiers: ClinVar variation 1433172 (VCV001433172.8), dbSNP rs2115364076, ClinGen allele CA366891553.

ClinVar aggregate classification (germline): Uncertain significance (1 of 4 stars; one submission).

Allele frequency attached by ClinVar (database versions not stated): gnomAD exomes below 0.00001.
gnomAD v4.1: 1 of 1,611,056 alleles (0.000062%); highest among the groups gnomAD compares: South Asian, 0.0011%; no homozygotes.

Submission:

Labcorp Genetics (formerly Invitae), Labcorp
Classification: Uncertain significance. Last evaluated: 2022-07-19. Review status: criteria provided, single submitter. Criteria: Invitae Variant Classification Sherloc (09022015). Collection method: clinical testing. Allele origin: germline.
Comment: In summary, the available evidence is currently insufficient to determine the role of this variant in disease. Therefore, it has been classified as a Variant of Uncertain Significance. Algorithms developed to predict the effect of missense changes on protein structure and function (SIFT, PolyPhen-2, Align-GVGD) all suggest that this variant is likely to be tolerated. ClinVar contains an entry for this variant (Variation ID: 1433172). This variant has not been reported in the literature in individuals affected with AHR-related conditions. This variant is not present in population databases (gnomAD no frequency). This sequence change replaces cysteine, which is neutral and slightly polar, with arginine, which is basic and polar, at codon 183 of the AHR protein (p.Cys183Arg).